The following is an entry in ClinVar:

NM_000455.5(STK11):c.1033_1108+9dup

Genes: STK11 (serine/threonine kinase 11; plus strand), LOC130062899 (ATAC-STARR-seq lymphoblastoid active region 13597; plus strand). Cytogenetic location: 19p13.3.
Variant type: Duplication.
Coding change: c.1033_1108+9dup on transcript NM_000455.5 (MANE Select); coding-DNA position 1033 through 9 bases into the intron after coding-DNA position 1108, 85 bases duplicated.
Molecular consequence: splice donor variant.
Genome position (GRCh38, 1-based): chr19:1,223,097-1,223,181, 85 bases duplicated. GRCh37 (hg19): chr19:1,223,096-1,223,180.
Identifiers: ClinVar variation 2028252 (VCV002028252.4), dbSNP rs2512949109, ClinGen allele CA2580096141.

ClinVar aggregate classification (germline): Likely pathogenic (1 of 4 stars; one submission).

Conditions:
Peutz-Jeghers syndrome (PJS). Also called: POLYPOSIS, HAMARTOMATOUS INTESTINAL; POLYPS-AND-SPOTS SYNDROME; Peutz-Jeghers polyposis; Periorificial lentiginosis syndrome. Identifiers: Orphanet 2869, MedGen C0031269, MeSH D010580, MONDO:0008280, OMIM 175200.

Submission:

Labcorp Genetics (formerly Invitae), Labcorp
Classification: Likely pathogenic for Peutz-Jeghers syndrome. Last evaluated: 2024-01-08. Review status: criteria provided, single submitter. Criteria: Invitae Variant Classification Sherloc (09022015). Collection method: clinical testing. Allele origin: germline.
Comment: This sequence change falls in intron 8 of the STK11 gene. It does not directly change the encoded amino acid sequence of the STK11 protein. This variant is not present in population databases (gnomAD no frequency). This variant has been observed in individual(s) with clinical features of Peutz-Jeghers syndrome (Invitae). In at least one individual the variant was observed to be de novo. ClinVar contains an entry for this variant (Variation ID: 2028252). Studies have shown that this variant is associated with inconclusive levels of altered splicing (Invitae). In summary, the currently available evidence indicates that the variant is pathogenic, but additional data are needed to prove that conclusively. Therefore, this variant has been classified as Likely Pathogenic.